The following is an entry in ClinVar:

NM_001079872.2(CUL4B):c.2637_2638del (p.Asp879fs)

Gene: CUL4B (cullin 4B; minus strand). Cytogenetic location: Xq24.
Variant type: Deletion.
Coding change: c.2637_2638del on transcript NM_001079872.2 (MANE Select); coding-DNA positions 2637 to 2638, 2 bases deleted (CT; older notation c.2637_2638delCT).
Protein change: p.Asp879fs; shifts the reading frame from aspartic acid 879.
Molecular consequence: frameshift variant.
Genome position (GRCh38, 1-based): chrX:120,526,811-120,526,812, AG deleted on the plus strand (CT on the coding strand, the reverse complement: CUL4B is on the minus strand). VCF-style (leftmost placement, unchanged base first): chrX-120526810-TAG-T. GRCh37 (hg19) VCF-style: chrX-119660665-TAG-T.
Other names: c.2652_2653del, p.Asp884fs (NM_001330624.2); c.2103_2104del, p.Asp701fs (NM_001369145.1); c.2691_2692del, p.Asp897fs (NM_003588.4); c.2691_2692delCT (NM_003588.3); short protein forms D879fs, D897fs, D701fs, D884fs.
Identifiers: ClinVar variation 373768 (VCV000373768.1), dbSNP rs1057518598, ClinGen allele CA16043176.

ClinVar aggregate classification (germline): Likely pathogenic (1 of 4 stars; one submission).

Submission:

GeneDx
Classification: Likely pathogenic. Last evaluated: 2016-12-05. Review status: criteria provided, single submitter. Criteria: GeneDx Variant Classification (06012015). Collection method: clinical testing. Allele origin: germline. Affected: yes.
Comment: The c.2691_2692delCT variant in the CUL4B gene has not been reported previously as a pathogenic variant nor as a benign variant, to our knowledge. The c.2691_2692delCT variant causes a frameshift starting with codon Aspartic acid 897, changes this amino acid to a Glutamic acid residue, and creates a premature Stop codon at position 6 of the new reading frame, denoted p.Asp897GlufsX6. This variant replaces the last 17 amino acids by 5 incorrect amino acids and is predicted to cause loss of normal protein function through protein truncation. The c.2691_2692delCT variant was not observed in approximately 6500 individuals of European and African American ancestry in the NHLBI Exome Sequencing Project, indicating it is not a common benign variant in these populations. Therefore, we interpret c.2691_2692delCT as a likely pathogenic variant.